The following is an entry in ClinVar:

ClinVar aggregate classification (germline): Likely benign (1 of 4 stars; one submission).

Allele frequency attached by ClinVar (database versions not stated): gnomAD exomes below 0.00001; gnomAD 0.00001; TOPMed 0.00001.

Submission:

CeGaT Center for Human Genetics Tuebingen
Classification: Likely benign. Last evaluated: 2023-04-01. Review status: criteria provided, single submitter. Criteria: CeGaT Center For Human Genetics Tuebingen Variant Classification Criteria Version 2. Collection method: clinical testing. Allele origin: germline. Affected: yes. Observed: 1 variant allele.
Comment: DDX53: BP4, BP7

NM_182699.4(DDX53):c.207A>C (p.Ser69=)

Genes: DDX53 (DEAD-box helicase 53; plus strand), PTCHD1-AS (PTCHD1 and PHEX antisense RNA; minus strand). Cytogenetic location: Xp22.11.
Variant type: single nucleotide variant.
Coding change: c.207A>C on transcript NM_182699.4 (MANE Select); coding-DNA position 207, A replaced by C.
Protein change: p.Ser69=; no amino-acid change (serine 69 retained).
Molecular consequence: synonymous variant.
Genome position (GRCh38, 1-based): chrX:23,000,264, A>C. VCF-style: chrX-23000264-A-C. GRCh37 (hg19) VCF-style: chrX-23018381-A-C.
Identifiers: ClinVar variation 2660162 (VCV002660162.24), dbSNP rs1328645145, ClinGen allele CA515618332.